The following is an entry in ClinVar:

ClinVar aggregate classification (germline): Pathogenic (1 of 4 stars; one submission).

Conditions:
3-hydroxy-3-methylglutaryl-CoA synthase deficiency (HMGCS2D). Also called: HMG-CoA synthase-2 deficiency; HMGCS2 DEFICIENCY; MITOCHONDRIAL HMG-CoA SYNTHASE DEFICIENCY. Identifiers: Orphanet 35701, MedGen C2751532, MONDO:0011614, OMIM 605911.

Submission:

Labcorp Genetics (formerly Invitae), Labcorp
Classification: Pathogenic for 3-hydroxy-3-methylglutaryl-CoA synthase deficiency. Last evaluated: 2022-11-08. Review status: criteria provided, single submitter. Criteria: Invitae Variant Classification Sherloc (09022015). Collection method: clinical testing. Allele origin: germline.
Comment: For these reasons, this variant has been classified as Pathogenic. ClinVar contains an entry for this variant (Variation ID: 1424635). This variant has not been reported in the literature in individuals affected with HMGCS2-related conditions. This variant is not present in population databases (gnomAD no frequency). This sequence change creates a premature translational stop signal (p.Glu344*) in the HMGCS2 gene. It is expected to result in an absent or disrupted protein product. Loss-of-function variants in HMGCS2 are known to be pathogenic (PMID: 20346956, 23751782, 25511235).

Literature cited by the submitters: PubMed 20346956; PubMed 23751782; PubMed 25511235.

NM_005518.4(HMGCS2):c.1030G>T (p.Glu344Ter)

Gene: HMGCS2 (3-hydroxy-3-methylglutaryl-CoA synthase 2; minus strand). Cytogenetic location: 1p12.
Variant type: single nucleotide variant.
Coding change: c.1030G>T on transcript NM_005518.4 (MANE Select); coding-DNA position 1030, G replaced by T.
Protein change: p.Glu344Ter; replaces glutamic acid 344 with a stop codon.
Molecular consequence: nonsense.
Genome position (GRCh38, 1-based): chr1:119,755,584, C>A on the plus strand (G>T on the coding strand, the complement: HMGCS2 is on the minus strand). VCF-style: chr1-119755584-C-A. GRCh37 (hg19) VCF-style: chr1-120298207-C-A.
Other names: c.904G>T, p.Glu302Ter (NM_001166107.1); short protein forms E344*, E302*.
Identifiers: ClinVar variation 1424635 (VCV001424635.6), dbSNP rs2101254797, ClinGen allele CA341859475.